The following is an entry in ClinVar:

ClinVar aggregate classification (germline): Likely benign (3 of 4 stars; one submission).

Conditions:
Glanzmann thrombasthenia. Also called: BLEEDING DISORDER, PLATELET-TYPE, 2; THROMBASTHENIA OF GLANZMANN AND NAEGELI; PLATELET GLYCOPROTEIN IIb-IIIa DEFICIENCY; Glanzmann's thrombasthenia; Thrombasthenia. Identifiers: Orphanet 849, MedGen C0040015, MONDO:0100326.

Allele frequency attached by ClinVar (database versions not stated): gnomAD 0.00001; gnomAD exomes 0.00001; TOPMed 0.00002.
gnomAD v4.1: 4 of 1,614,108 alleles (0.00025%); highest among the groups gnomAD compares: Non-Finnish European, 0.00034%; no homozygotes.

Submission:

ClinGen Platelet Disorders Variant Curation Expert Panel, ClinGen
Classification: Likely benign for Glanzmann thrombasthenia. Last evaluated: 2020-06-16. Review status: reviewed by expert panel. Criteria: ClinGen Platelet ACMG Specifications v2. Collection method: curation. Allele origin: germline. Inheritance: Autosomal recessive inheritance.
Comment: The c.175C>G (p.Leu59Val) missense variant has been reported in the literature as an alloantigenic site (PMID: 16686847). However, it has not been reported in association with Glanzmann thrombasthenia. It is at low frequency overall in gnomAD of 0.000006977 and MAF of 0.00001549 (1/64,572 alleles) in the non-Finnish European population. Functional studies in CHO cells have shown no deleterious effect on surface expression or fibrinogen binding (PMID: 16686847 and follow-up studies). In summary, this variant meets criteria to be classified as Likely Benign for GT. GT-specific criteria applied: BS3, BP4, PM2_supporting.

NM_000212.3(ITGB3):c.175C>G (p.Leu59Val)

Gene: ITGB3 (integrin subunit beta 3; plus strand). Cytogenetic location: 17q21.32.
Variant type: single nucleotide variant.
Coding change: c.175C>G on transcript NM_000212.3 (MANE Select); coding-DNA position 175, C replaced by G.
Protein change: p.Leu59Val; replaces leucine 59 with valine.
Molecular consequence: missense variant.
Genome position (GRCh38, 1-based): chr17:47,283,363, C>G. VCF-style: chr17-47283363-C-G. GRCh37 (hg19) VCF-style: chr17-45360729-C-G.
Other names: short protein forms L59V.
Identifiers: ClinVar variation 953062 (VCV000953062.2), dbSNP rs2065090622, ClinGen allele CA400020401.